The following is an entry in ClinVar:

ClinVar aggregate classification (germline): Uncertain significance. Review status: criteria provided, multiple submitters, no conflicts (2 of 4 stars). 2 submissions from 2 submitters: Uncertain significance (2). Last evaluated 2026-01-21.

Conditions:
Von Hippel-Lindau syndrome (VHLS). Also called: VHL syndrome; Von Hippel-Lindau; von Hippel–Lindau syndrome. Identifiers: Orphanet 892, MedGen C0019562, MONDO:0008667, OMIM 193300. Disease mechanism: loss of function.
Chuvash polycythemia. Also called: POLYCYTHEMIA, VHL-DEPENDENT. Identifiers: Orphanet 238557, MedGen C1837915, MONDO:0009892, OMIM 263400.
Hereditary cancer-predisposing syndrome. Also called: Hereditary Cancer Syndrome; Neoplastic Syndromes, Hereditary; Hereditary neoplastic syndrome; Tumor predisposition. Identifiers: Orphanet 140162, MedGen C0027672, MeSH D009386, MONDO:0015356.

Submissions (2):

Labcorp Genetics (formerly Invitae), Labcorp
Classification: Uncertain significance for Von Hippel-Lindau syndrome; Chuvash polycythemia. Last evaluated: 2026-01-21. Review status: criteria provided, single submitter. Criteria: Invitae Variant Classification Sherloc (09022015). Collection method: clinical testing. Allele origin: germline.
Comment: This sequence change replaces arginine, which is basic and polar, with leucine, which is neutral and non-polar, at codon 4 of the VHL protein (p.Arg4Leu). Information on the frequency of this variant in the gnomAD database is not available, as this variant may be reported differently in the database. This variant has not been reported in the literature in individuals affected with VHL-related conditions. ClinVar contains an entry for this variant (Variation ID: 818240). An algorithm developed to predict the effect of missense changes on protein structure and function (PolyPhen-2) suggests that this variant is likely to be tolerated. In summary, the available evidence is currently insufficient to determine the role of this variant in disease. Therefore, it has been classified as a Variant of Uncertain Significance.

Ambry Genetics
Classification: Uncertain significance for Hereditary cancer-predisposing syndrome. Last evaluated: 2025-06-24. Review status: criteria provided, single submitter. Criteria: Ambry Variant Classification Scheme 2023. Collection method: clinical testing. Allele origin: germline.
Comment: The c.10_11delAGinsTT variant, located in coding exon 1 of the VHL gene, results from an in-frame deletion of AG and insertion of TT at nucleotide positions 10 to 11. This results in the substitution of the arginine residue for a leucine residue at codon 4, an amino acid with dissimilar properties. This amino acid position is not well conserved in available vertebrate species. Since supporting evidence is limited at this time, the clinical significance of this alteration remains unclear.

NM_000551.4(VHL):c.10_11delinsTT (p.Arg4Leu)

Gene: VHL (von Hippel-Lindau tumor suppressor; plus strand). Cytogenetic location: 3p25.3.
Variant type: Indel.
Coding change: c.10_11delinsTT on transcript NM_000551.4 (MANE Select); coding-DNA positions 10 to 11, AG replaced by TT.
Protein change: p.Arg4Leu; replaces arginine 4 with leucine.
Molecular consequence: missense variant.
Genome position (GRCh38, 1-based): chr3:10,141,857-10,141,858, AG replaced by TT. VCF-style: chr3-10141857-AG-TT. GRCh37 (hg19) VCF-style: chr3-10183541-AG-TT.
Other names: c.10_11delinsTT, p.Arg4Leu (NM_001354723.2, NM_198156.3); short protein forms R4L.
Identifiers: ClinVar variation 818240 (VCV000818240.13), dbSNP rs1575920840, ClinGen allele CA915941833.